The following is an entry in ClinVar:

ClinVar aggregate classification (germline): Uncertain significance (1 of 4 stars; one submission).

Conditions:
TBCD-related disorder. Also called: TBCD-related condition.

Allele frequency attached by ClinVar (database versions not stated): TOPMed 0.00001.

Submission:

PreventionGenetics, part of Exact Sciences
Classification: Uncertain significance for TBCD-related condition. Last evaluated: 2022-12-19. Review status: criteria provided, single submitter. Criteria: ACMG Guidelines, 2015. Collection method: clinical testing. Allele origin: germline.
Comment: The TBCD c.2900C>G variant is predicted to result in the amino acid substitution p.Pro967Arg. To our knowledge, this variant has not been reported in the literature or in a large population database, indicating this variant is rare. At this time, the clinical significance of this variant is uncertain due to the absence of conclusive functional and genetic evidence.

NM_005993.5(TBCD):c.2900C>G (p.Pro967Arg)

Gene: TBCD (tubulin folding cofactor D). Cytogenetic location: 17q25.3.
Variant type: single nucleotide variant.
Coding change: c.2900C>G on transcript NM_005993.5 (MANE Select); coding-DNA position 2900, C replaced by G.
Protein change: p.Pro967Arg; replaces proline 967 with arginine.
Molecular consequence: missense variant.
Genome position (GRCh38, 1-based): chr17:82,929,409, C>G. VCF-style: chr17-82929409-C-G. GRCh37 (hg19) VCF-style: chr17-80887285-C-G.
Other names: c.2849C>G, p.Pro950Arg (NM_001411101.1); c.2819C>G, p.Pro940Arg (NM_001411102.1); short protein forms P940R, P950R, P967R.
Identifiers: ClinVar variation 2630103 (VCV002630103.1), dbSNP rs926584346, ClinGen allele CA295301478.